The following is an entry in ClinVar:

NM_001388459.1(FRMPD3):c.2084G>A (p.Arg695His)

Gene: FRMPD3 (FERM and PDZ domain containing 3; plus strand). Cytogenetic location: Xq22.3.
Variant type: single nucleotide variant.
Coding change: c.2084G>A on transcript NM_001388459.1 (MANE Select); coding-DNA position 2084, G replaced by A.
Protein change: p.Arg695His; replaces arginine 695 with histidine.
Molecular consequence: missense variant.
Genome position (GRCh38, 1-based): chrX:107,597,963, G>A. VCF-style: chrX-107597963-G-A. GRCh37 (hg19) VCF-style: chrX-106841193-G-A.
Other names: c.1679G>A, p.Arg560His (NM_001388462.1); c.2183G>A, p.Arg728His (NM_032428.2); short protein forms R560H, R695H, R728H.
Identifiers: ClinVar variation 2661146 (VCV002661146.24), dbSNP rs772830289, ClinGen allele CA10485138.
Genomic context (GRCh38, chrX:107,597,963, plus strand): 5'-ACAACAGCTCTGATGAGGATGACCCCAAGCGCCGGGCTGTCCAGAGCCAGGAACAAGGAC[G>A]CCACCTGCGTGGGCTTCTGTACGATGAGATTCCAGTGACATTGATTGACAGTGTGCAGAC-3'
Protein context (NP_001375388.1, residues 685-705): RRAVQSQEQG[Arg695His]HLRGLLYDEI

ClinVar aggregate classification (germline): Likely benign (1 of 4 stars; one submission).

Allele frequency attached by ClinVar (database versions not stated): gnomAD 0.00006; TOPMed 0.00007; ExAC 0.00004; gnomAD exomes 0.00004.
gnomAD v4.1: 52 of 1,208,771 alleles (0.0043%); highest among the groups gnomAD compares: African/African-American, 0.0053%; no homozygotes.

Submission:

CeGaT Center for Human Genetics Tuebingen
Classification: Likely benign. Last evaluated: 2023-05-01. Review status: criteria provided, single submitter. Criteria: CeGaT Center For Human Genetics Tuebingen Variant Classification Criteria Version 2. Collection method: clinical testing. Allele origin: germline. Affected: yes. Observed: 1 variant allele.
Comment: FRMPD3: BP4